The following is an entry in ClinVar:

ClinVar aggregate classification (germline): Uncertain significance. Review status: criteria provided, multiple submitters, no conflicts (2 of 4 stars). 2 submissions from 2 submitters: Uncertain significance (2). Last evaluated 2021-10-11.

Conditions:
Familial thoracic aortic aneurysm and aortic dissection (TAAD). Also called: Thoracic aortic aneurysms and dissections. Identifiers: Orphanet 91387, MedGen C4707243, MONDO:0019625.
HYPERHOMOCYSTEINEMIA, THROMBOTIC, CBS-RELATED. Identifiers: MedGen C3150344, OMIM 236200.

Allele frequency attached by ClinVar (database versions not stated): gnomAD exomes 0.00001.

Submissions (2):

Ambry Genetics
Classification: Uncertain significance for Familial thoracic aortic aneurysm and aortic dissection. Last evaluated: 2021-10-11. Review status: criteria provided, single submitter. Criteria: Ambry Variant Classification Scheme 2023. Collection method: clinical testing. Allele origin: germline.
Comment: The p.G442D variant (also known as c.1325G>A), located in coding exon 12 of the CBS gene, results from a G to A substitution at nucleotide position 1325. The glycine at codon 442 is replaced by aspartic acid, an amino acid with similar properties. This amino acid position is conserved. In addition, this alteration is predicted to be deleterious by in silico analysis. Since supporting evidence is limited at this time, the clinical significance of this alteration remains unclear.

Labcorp Genetics (formerly Invitae), Labcorp
Classification: Uncertain significance for HYPERHOMOCYSTEINEMIA, THROMBOTIC, CBS-RELATED. Last evaluated: 2021-09-01. Review status: criteria provided, single submitter. Criteria: Invitae Variant Classification Sherloc (09022015). Collection method: clinical testing. Allele origin: germline.
Comment: This sequence change replaces glycine with aspartic acid at codon 442 of the CBS protein (p.Gly442Asp). The glycine residue is moderately conserved and there is a moderate physicochemical difference between glycine and aspartic acid. This variant is not present in population databases (ExAC no frequency). This variant has not been reported in the literature in individuals affected with CBS-related conditions. Algorithms developed to predict the effect of missense changes on protein structure and function are either unavailable or do not agree on the potential impact of this missense change (SIFT: "Deleterious"; PolyPhen-2: "Benign"; Align-GVGD: "Class C0"). In summary, the available evidence is currently insufficient to determine the role of this variant in disease. Therefore, it has been classified as a Variant of Uncertain Significance.

NM_000071.3(CBS):c.1325G>A (p.Gly442Asp)

Gene: CBS (cystathionine beta-synthase; minus strand). Cytogenetic location: 21q22.3.
Variant type: single nucleotide variant.
Coding change: c.1325G>A on transcript NM_000071.3 (MANE Select); coding-DNA position 1325, G replaced by A.
Protein change: p.Gly442Asp; replaces glycine 442 with aspartic acid.
Molecular consequence: missense variant.
Genome position (GRCh38, 1-based): chr21:43,058,867, C>T on the plus strand (G>A on the coding strand, the complement: CBS is on the minus strand). VCF-style: chr21-43058867-C-T. GRCh37 (hg19) VCF-style: chr21-44478977-C-T.
Other names: c.1325G>A, p.Gly442Asp (NM_001178008.3, NM_001178009.3, NM_001320298.2); c.1010G>A, p.Gly337Asp (NM_001321072.1); short protein forms G337D, G442D.
Identifiers: ClinVar variation 840486 (VCV000840486.47), dbSNP rs1324151005, ClinGen allele CA410397009.